The following is an entry in ClinVar:

NM_000426.4(LAMA2):c.7343A>G (p.Asn2448Ser)

Gene: LAMA2 (laminin subunit alpha 2; plus strand). Cytogenetic location: 6q22.33.
Variant type: single nucleotide variant.
Coding change: c.7343A>G on transcript NM_000426.4 (MANE Select); coding-DNA position 7343, A replaced by G.
Protein change: p.Asn2448Ser; replaces asparagine 2448 with serine.
Molecular consequence: missense variant.
Genome position (GRCh38, 1-based): chr6:129,473,256, A>G. VCF-style: chr6-129473256-A-G. GRCh37 (hg19) VCF-style: chr6-129794401-A-G.
Other names: c.7343A>G, p.Asn2448Ser (NM_001079823.2); short protein forms N2448S.
Identifiers: ClinVar variation 837683 (VCV000837683.10), dbSNP rs1174586189, ClinGen allele CA365624230.
Genomic context (GRCh38, chr6:129,473,256, plus strand): 5'-TTTCTTTCTCCTTTACAGCCAATATATCAATTGTAGATATAGATACTAATCAGGAGGAGA[A>G]TATAGCAACTTCGTCTTCTGGAAACAACTTTGGTCTTGACTTGAAAGCAGATGACAAAAT-3'
Protein context (NP_000417.3, residues 2438-2458): IVDIDTNQEE[Asn2448Ser]IATSSSGNNF

ClinVar aggregate classification (germline): Uncertain significance (1 of 4 stars; one submission).

Conditions:
LAMA2-related muscular dystrophy (LAMA2-RD). Also called: Laminin alpha 2-related dystrophy. Identifiers: MedGen C5679788, MONDO:0100228.

Allele frequency attached by ClinVar (database versions not stated): TOPMed 0.00002; gnomAD 0.00005.

Submission:

Labcorp Genetics (formerly Invitae), Labcorp
Classification: Uncertain significance for LAMA2-related muscular dystrophy. Last evaluated: 2019-03-14. Review status: criteria provided, single submitter. Criteria: Invitae Variant Classification Sherloc (09022015). Collection method: clinical testing. Allele origin: germline.
Comment: In summary, the available evidence is currently insufficient to determine the role of this variant in disease. Therefore, it has been classified as a Variant of Uncertain Significance. Algorithms developed to predict the effect of missense changes on protein structure and function output the following: SIFT: "Tolerated"; PolyPhen-2: "Benign"; Align-GVGD: "Class C0". The serine amino acid residue is found in multiple mammalian species, suggesting that this missense change does not adversely affect protein function. These predictions have not been confirmed by published functional studies and their clinical significance is uncertain. This variant has not been reported in the literature in individuals with LAMA2-related conditions. This variant is not present in population databases (ExAC no frequency). This sequence change replaces asparagine with serine at codon 2448 of the LAMA2 protein (p.Asn2448Ser). The asparagine residue is weakly conserved and there is a small physicochemical difference between asparagine and serine.